The following is an entry in ClinVar:

ClinVar aggregate classification (germline): Uncertain significance (1 of 4 stars; one submission).

Conditions:
2-aminoadipic 2-oxoadipic aciduria (AAKAD). Also called: Aminoadipic aciduria; ALPHA-AMINOADIPIC AND ALPHA-KETOADIPIC ACIDURIA. Identifiers: Orphanet 79154, MedGen C1859817, MONDO:0008774, OMIM 204750.

Allele frequency attached by ClinVar (database versions not stated): gnomAD exomes 0.00001; ExAC 0.00002.
gnomAD v4.1: 6 of 1,613,658 alleles (0.00037%); highest among the groups gnomAD compares: Admixed American, 0.0033%; no homozygotes.

Submission:

Labcorp Genetics (formerly Invitae), Labcorp
Classification: Uncertain significance for 2-aminoadipic 2-oxoadipic aciduria. Last evaluated: 2024-05-26. Review status: criteria provided, single submitter. Criteria: Invitae Variant Classification Sherloc (09022015). Collection method: clinical testing. Allele origin: germline.
Comment: This sequence change replaces valine, which is neutral and non-polar, with methionine, which is neutral and non-polar, at codon 736 of the DHTKD1 protein (p.Val736Met). This variant is present in population databases (rs761744657, gnomAD 0.006%). This variant has not been reported in the literature in individuals affected with DHTKD1-related conditions. ClinVar contains an entry for this variant (Variation ID: 1387934). Advanced modeling of protein sequence and biophysical properties (such as structural, functional, and spatial information, amino acid conservation, physicochemical variation, residue mobility, and thermodynamic stability) performed at Invitae indicates that this missense variant is not expected to disrupt DHTKD1 protein function with a negative predictive value of 80%. In summary, the available evidence is currently insufficient to determine the role of this variant in disease. Therefore, it has been classified as a Variant of Uncertain Significance.

NM_018706.7(DHTKD1):c.2206G>A (p.Val736Met)

Gene: DHTKD1 (dehydrogenase E1 and transketolase domain containing 1; plus strand). Cytogenetic location: 10p14.
Variant type: single nucleotide variant.
Coding change: c.2206G>A on transcript NM_018706.7 (MANE Select); coding-DNA position 2206, G replaced by A.
Protein change: p.Val736Met; replaces valine 736 with methionine.
Molecular consequence: missense variant.
Genome position (GRCh38, 1-based): chr10:12,112,951, G>A. VCF-style: chr10-12112951-G-A. GRCh37 (hg19) VCF-style: chr10-12154950-G-A.
Other names: short protein forms V736M.
Identifiers: ClinVar variation 1387934 (VCV001387934.11), dbSNP rs761744657, ClinGen allele CA5408173.